The following is an entry in ClinVar:

ClinVar aggregate classification (germline): Uncertain significance (1 of 4 stars; one submission).

gnomAD v4.1: 18 of 1,612,698 alleles (0.0011%); highest among the groups gnomAD compares: Non-Finnish European, 0.0014%; no homozygotes.

Submission:

Labcorp Genetics (formerly Invitae), Labcorp
Classification: Uncertain significance. Last evaluated: 2025-05-11. Review status: criteria provided, single submitter. Criteria: Invitae Variant Classification Sherloc (09022015). Collection method: clinical testing. Allele origin: germline.
Comment: This sequence change replaces arginine, which is basic and polar, with glycine, which is neutral and non-polar, at codon 159 of the STEAP3 protein (p.Arg159Gly). This variant is present in population databases (rs754476468, gnomAD 0.005%). This variant has not been reported in the literature in individuals affected with STEAP3-related conditions. An algorithm developed to predict the effect of missense changes on protein structure and function (PolyPhen-2) suggests that this variant is likely to be tolerated. In summary, the available evidence is currently insufficient to determine the role of this variant in disease. Therefore, it has been classified as a Variant of Uncertain Significance.

NM_182915.3(STEAP3):c.505A>G (p.Arg169Gly)

Genes: STEAP3 (STEAP3 metalloreductase; plus strand), STEAP3-AS1 (STEAP3 antisense RNA 1; minus strand). Cytogenetic location: 2q14.2.
Variant type: single nucleotide variant.
Coding change: c.505A>G on transcript NM_182915.3 (MANE Select); coding-DNA position 505, A replaced by G.
Protein change: p.Arg169Gly; replaces arginine 169 with glycine.
Molecular consequence: missense variant. On other transcripts: non-coding transcript variant (1).
Genome position (GRCh38, 1-based): chr2:119,245,971, A>G. VCF-style: chr2-119245971-A-G. GRCh37 (hg19) VCF-style: chr2-120003547-A-G.
Other names: c.475A>G, p.Arg159Gly (NM_001008410.2, NM_018234.3, NM_138637.3); short protein forms R159G, R169G.
Identifiers: ClinVar variation 4752320 (VCV004752320.1).